The following is an entry in ClinVar:

ClinVar aggregate classification (germline): Pathogenic (1 of 4 stars; one submission).

gnomAD v4.1: 1 of 1,612,292 alleles (0.000062%); highest among the groups gnomAD compares: Non-Finnish European, 0.000085%; no homozygotes.

Submission:

Labcorp Genetics (formerly Invitae), Labcorp
Classification: Pathogenic. Last evaluated: 2023-03-10. Review status: criteria provided, single submitter. Criteria: Invitae Variant Classification Sherloc (09022015). Collection method: clinical testing. Allele origin: germline.
Comment: For these reasons, this variant has been classified as Pathogenic. This variant has not been reported in the literature in individuals affected with HSPG2-related conditions. This variant is not present in population databases (gnomAD no frequency). This sequence change creates a premature translational stop signal (p.Glu3348*) in the HSPG2 gene. It is expected to result in an absent or disrupted protein product. Loss-of-function variants in HSPG2 are known to be pathogenic (PMID: 11279527, 16927315, 20542149, 23836246).

Literature cited by the submitters: PubMed 11279527; PubMed 16927315; PubMed 20542149; PubMed 23836246.

NM_005529.7(HSPG2):c.10042G>T (p.Glu3348Ter)

Gene: HSPG2 (heparan sulfate proteoglycan 2; minus strand). Cytogenetic location: 1p36.12.
Variant type: single nucleotide variant.
Coding change: c.10042G>T on transcript NM_005529.7 (MANE Select); coding-DNA position 10042, G replaced by T.
Protein change: p.Glu3348Ter; replaces glutamic acid 3348 with a stop codon.
Molecular consequence: nonsense.
Genome position (GRCh38, 1-based): chr1:21,838,933, C>A on the plus strand (G>T on the coding strand, the complement: HSPG2 is on the minus strand). VCF-style: chr1-21838933-C-A. GRCh37 (hg19) VCF-style: chr1-22165426-C-A.
Other names: c.10045G>T, p.Glu3349Ter (NM_001291860.2); short protein forms E3348*, E3349*.
Identifiers: ClinVar variation 2844778 (VCV002844778.3), dbSNP rs530138013, ClinGen allele CA338911778.
Genomic context (GRCh38, chr1:21,838,933, plus strand): 5'-TGACCCGGCAGCGGTAGCGGCCTGAGTCCTCAGGGGCTGCACGCTCAAAGTGCAGCAGCT[C>A]GTTCCTGGCGGTCGCCCTCCCAGGAAGGCTGCTGCCCACGCGGCTCCACTGGAAGGTGAG-3'